The following is an entry in ClinVar:

NM_000396.4(CTSK):c.796G>T (p.Asp266Tyr)

Gene: CTSK (cathepsin K; minus strand). Cytogenetic location: 1q21.3.
Variant type: single nucleotide variant.
Coding change: c.796G>T on transcript NM_000396.4 (MANE Select); coding-DNA position 796, G replaced by T.
Protein change: p.Asp266Tyr; replaces aspartic acid 266 with tyrosine.
Molecular consequence: missense variant.
Genome position (GRCh38, 1-based): chr1:150,799,262, C>A on the plus strand (G>T on the coding strand, the complement: CTSK is on the minus strand). VCF-style: chr1-150799262-C-A. GRCh37 (hg19) VCF-style: chr1-150771738-C-A.
Other names: c.796G>T (NM_000396.3); short protein forms D266Y.
Identifiers: ClinVar variation 1409673 (VCV001409673.9), dbSNP rs1332783199, ClinGen allele CA342335906.

ClinVar aggregate classification (germline): Uncertain significance. Review status: criteria provided, multiple submitters, no conflicts (2 of 4 stars). 2 submissions from 2 submitters: Uncertain significance (2). Last evaluated 2024-11-23.

Allele frequency attached by ClinVar (database versions not stated): gnomAD exomes below 0.00001; gnomAD 0.00001; TOPMed 0.00002.
gnomAD v4.1: 2 of 1,609,656 alleles (0.00012%); highest among the groups gnomAD compares: Admixed American, 0.0017%; no homozygotes.

Submissions (2):

GeneDx
Classification: Uncertain significance. Last evaluated: 2024-11-23. Review status: criteria provided, single submitter. Criteria: GeneDx Variant Classification Process June 2021. Collection method: clinical testing. Allele origin: germline. Affected: yes.
Comment: Not observed at significant frequency in large population cohorts (gnomAD); In silico analysis supports that this missense variant has a deleterious effect on protein structure/function; Has not been previously published as pathogenic or benign to our knowledge

Labcorp Genetics (formerly Invitae), Labcorp
Classification: Uncertain significance. Last evaluated: 2022-12-06. Review status: criteria provided, single submitter. Criteria: Invitae Variant Classification Sherloc (09022015). Collection method: clinical testing. Allele origin: germline.
Comment: This variant has not been reported in the literature in individuals affected with CTSK-related conditions. In summary, the available evidence is currently insufficient to determine the role of this variant in disease. Therefore, it has been classified as a Variant of Uncertain Significance. Algorithms developed to predict the effect of sequence changes on RNA splicing suggest that this variant may disrupt the consensus splice site. Advanced modeling of protein sequence and biophysical properties (such as structural, functional, and spatial information, amino acid conservation, physicochemical variation, residue mobility, and thermodynamic stability) performed at Invitae indicates that this missense variant is expected to disrupt CTSK protein function. ClinVar contains an entry for this variant (Variation ID: 1409673). This variant is present in population databases (no rsID available, gnomAD 0.003%). This sequence change replaces aspartic acid, which is acidic and polar, with tyrosine, which is neutral and polar, at codon 266 of the CTSK protein (p.Asp266Tyr).